The following is an entry in ClinVar:

NM_000465.4(BARD1):c.154_155delinsTT (p.Arg52Phe)

Gene: BARD1 (BRCA1 associated RING domain 1; minus strand). Cytogenetic location: 2q35.
Variant type: Indel.
Coding change: c.154_155delinsTT on transcript NM_000465.4 (MANE Select); coding-DNA positions 154 to 155, CG replaced by TT.
Protein change: p.Arg52Phe; replaces arginine 52 with phenylalanine.
Molecular consequence: missense variant. On other transcripts: non-coding transcript variant (3).
Genome position (GRCh38, 1-based): chr2:214,809,415-214,809,416, CG replaced by AA on the plus strand (CG replaced by TT on the coding strand, the reverse complement: BARD1 is on the minus strand). VCF-style: chr2-214809415-CG-AA. GRCh37 (hg19) VCF-style: chr2-215674139-CG-AA.
Other names: c.154_155delinsTT, p.Arg52Phe (NM_001282543.2, NM_001282545.2, NM_001282548.2 and 1 more transcripts); short protein forms R52F.
Identifiers: ClinVar variation 2846874 (VCV002846874.3), dbSNP rs2469637343, ClinGen allele CA2739279704.

ClinVar aggregate classification (germline): Uncertain significance (1 of 4 stars; one submission).

Conditions:
Familial cancer of breast. Also called: hereditary breast carcinoma; BREAST CANCER, FAMILIAL; Hereditary breast cancer. Identifiers: Orphanet 227535, MedGen C0346153, MONDO:0016419, OMIM 114480. Disease mechanism: loss of function.

Submission:

Labcorp Genetics (formerly Invitae), Labcorp
Classification: Uncertain significance for Familial cancer of breast. Last evaluated: 2023-03-20. Review status: criteria provided, single submitter. Criteria: Invitae Variant Classification Sherloc (09022015). Collection method: clinical testing. Allele origin: germline.
Comment: This sequence change replaces arginine, which is basic and polar, with phenylalanine, which is neutral and non-polar, at codon 52 of the BARD1 protein (p.Arg52Phe). Information on the frequency of this variant in the gnomAD database is not available, as this variant may be reported differently in the database. This variant has not been reported in the literature in individuals affected with BARD1-related conditions. An algorithm developed to predict the effect of missense changes on protein structure and function (PolyPhen-2) suggests that this variant is likely to be disruptive. In summary, the available evidence is currently insufficient to determine the role of this variant in disease. Therefore, it has been classified as a Variant of Uncertain Significance.